The following is an entry in ClinVar:

ClinVar aggregate classification (germline): Conflicting classifications of pathogenicity. Review status: criteria provided, conflicting classifications (1 of 4 stars). 5 submissions from 5 submitters: Uncertain significance (2); Likely benign (3). Last evaluated 2026-01-18.

Conditions:
ABCA4-related disorder. Also called: ABCA4-related condition; ABCA4-related disorders. Identifiers: MedGen CN239167.

Allele frequency attached by ClinVar (database versions not stated): ExAC 0.00023; 1000 Genomes Project 0.00040; 1000 Genomes Project 30x 0.00047; gnomAD 0.00001 and 0.00004; TOPMed 0.00003; gnomAD exomes 0.00007 and 0.00011.

Submissions (5):

Labcorp Genetics (formerly Invitae), Labcorp
Classification: Likely benign. Last evaluated: 2026-01-18. Review status: criteria provided, single submitter. Criteria: Invitae Variant Classification Sherloc (09022015). Collection method: clinical testing. Allele origin: germline.

PreventionGenetics, part of Exact Sciences
Classification: Likely benign for ABCA4-related condition. Last evaluated: 2025-11-18. Review status: criteria provided, single submitter. Criteria: ACMG Guidelines, 2015. Collection method: clinical testing. Allele origin: germline.
Comment: This variant is classified as likely benign based on ACMG/AMP sequence variant interpretation guidelines (Richards et al. 2015 PMID: 25741868, with internal and published modifications).

Blueprint Genetics
Classification: Likely benign. Last evaluated: 2023-04-04. Review status: criteria provided, single submitter. Criteria: ACMG Guidelines, 2015. Collection method: clinical testing. Allele origin: germline.

Illumina Laboratory Services, Illumina
Classification: Uncertain significance for ABCA4-Related Disorders. Last evaluated: 2018-01-12. Review status: criteria provided, single submitter. Criteria: ICSL Variant Classification Criteria 13 December 2019. Collection method: clinical testing. Allele origin: germline.

Eurofins Ntd Llc (ga)
Classification: Uncertain significance. Last evaluated: 2014-12-31. Review status: criteria provided, single submitter. Criteria: EGL Classification Definitions 2015. Collection method: clinical testing. Allele origin: germline. Observed: 1 variant allele, 1 heterozygote.

NM_000350.3(ABCA4):c.3576C>T (p.Val1192=)

Gene: ABCA4 (ATP binding cassette subfamily A member 4; minus strand). Cytogenetic location: 1p22.1.
Variant type: single nucleotide variant.
Coding change: c.3576C>T on transcript NM_000350.3 (MANE Select); coding-DNA position 3576, C replaced by T.
Protein change: p.Val1192=; no amino-acid change (valine 1192 retained).
Molecular consequence: synonymous variant.
Genome position (GRCh38, 1-based): chr1:94,040,074, G>A on the plus strand (C>T on the coding strand, the complement: ABCA4 is on the minus strand). VCF-style: chr1-94040074-G-A. GRCh37 (hg19) VCF-style: chr1-94505630-G-A.
Other names: c.3354C>T, p.Val1118= (NM_001425324.1).
Identifiers: ClinVar variation 195799 (VCV000195799.20), dbSNP rs187965758, ClinGen allele CA242398.